The following is an entry in ClinVar:

ClinVar aggregate classification (germline): Benign/Likely benign. Review status: criteria provided, multiple submitters, no conflicts (2 of 4 stars). 6 submissions from 5 submitters: Benign (2); Likely benign (3). 1 of the submissions does not count toward it. Last evaluated 2026-01-26.

Conditions:
X-linked agammaglobulinemia with growth hormone deficiency (IGHD3). Also called: FLEISHER SYNDROME; HYPOGAMMAGLOBULINEMIA AND ISOLATED GROWTH HORMONE DEFICIENCY, X-LINKED; IGHD III; AGAMMAGLOBULINEMIA AND ISOLATED GROWTH HORMONE DEFICIENCY, X-LINKED; Isolated growth hormone deficiency type 3; Growth hormone deficiency with hypogammaglobulinemia. Identifiers: Orphanet 231692, Orphanet 631, MedGen C0472813, MONDO:0010615, OMIM 307200.
BTK-related disorder. Also called: BTK-related condition.
X-linked agammaglobulinemia (XLA). Also called: AGAMMAGLOBULINEMIA, X-LINKED, TYPE 1; Bruton-type agammaglobulinemia; Bruton's agammaglobulinemia; Agammaglobulinemia, Bruton tyrosine kinase; Agammaglobulinemia, BTK; BTK-deficiency. Identifiers: Orphanet 229717, Orphanet 47, MedGen C0221026, MONDO:0010421, OMIM 300755.

Allele frequency attached by ClinVar (database versions not stated): gnomAD 0.00009 and 0.00010; TOPMed 0.00012; gnomAD exomes 0.00022; ExAC 0.00023; ESP Exome Variant Server 0.00028.
gnomAD v4.1: 167 of 1,197,499 alleles (0.014%); highest among the groups gnomAD compares: Middle Eastern, 0.16%; 1 homozygote.

Submissions (6):

Labcorp Genetics (formerly Invitae), Labcorp
Classification: Benign for X-linked agammaglobulinemia with growth hormone deficiency. Last evaluated: 2026-01-26. Review status: criteria provided, single submitter. Criteria: Invitae Variant Classification Sherloc (09022015). Collection method: clinical testing. Allele origin: germline.

Blueprint Genetics
Classification: Likely benign. Last evaluated: 2024-11-15. Review status: criteria provided, single submitter. Criteria: ACMG Guidelines, 2015. Collection method: clinical testing. Allele origin: germline.

Genetic Services Laboratory, University of Chicago
Classification: Benign. Last evaluated: 2021-08-17. Review status: criteria provided, single submitter. Criteria: ACMG Guidelines, 2015. Collection method: clinical testing. Allele origin: germline. Affected: no.

Illumina Laboratory Services, Illumina
Classification: Likely benign for X-linked agammaglobulinemia. Last evaluated: 2017-04-27. Review status: criteria provided, single submitter. Criteria: ICSL Variant Classification Criteria 13 December 2019. Collection method: clinical testing. Allele origin: germline.
Comment: This variant was observed as part of a predisposition screen in an ostensibly healthy population. A literature search was performed for the gene, cDNA change, and amino acid change (where applicable). No publications were found based on this search. Allele frequency data from public databases allowed determination this variant is unlikely to cause disease. Therefore, this variant is classified as likely benign.

Illumina Laboratory Services, Illumina
Classification: Likely benign for X-linked agammaglobulinemia with growth hormone deficiency. Last evaluated: 2017-04-27. Review status: criteria provided, single submitter. Criteria: ICSL Variant Classification Criteria 13 December 2019. Collection method: clinical testing. Allele origin: germline.
Comment: the same text as in the submission from Illumina Laboratory Services, Illumina above.

PreventionGenetics, part of Exact Sciences
Classification: Likely benign for BTK-related condition. Last evaluated: 2019-02-19. Review status: no assertion criteria provided. Collection method: clinical testing. Allele origin: germline. Not counted in ClinVar's aggregate classification.
Comment: This variant is classified as likely benign based on ACMG/AMP sequence variant interpretation guidelines (Richards et al. 2015 PMID: 25741868, with internal and published modifications).

NM_000061.3(BTK):c.895-10G>A

Gene: BTK (Bruton tyrosine kinase; minus strand). Cytogenetic location: Xq22.1.
Variant type: single nucleotide variant.
Coding change: c.895-10G>A on transcript NM_000061.3 (MANE Select); 10 bases into the intron before coding-DNA position 895, G replaced by A.
Molecular consequence: intron variant.
Genome position (GRCh38, 1-based): chrX:101,358,706, C>T on the plus strand (G>A on the coding strand, the complement: BTK is on the minus strand). VCF-style: chrX-101358706-C-T. GRCh37 (hg19) VCF-style: chrX-100613694-C-T.
Other names: c.997-10G>A (NM_001287344.2); c.895-10G>A (NM_001287345.2).
Identifiers: ClinVar variation 367696 (VCV000367696.19), dbSNP rs370812397, ClinGen allele CA10473087.